The following is an entry in ClinVar:

NM_000436.4(OXCT1):c.1506T>C (p.Thr502=)

Gene: OXCT1 (3-oxoacid CoA-transferase 1; minus strand). Cytogenetic location: 5p13.1.
Variant type: single nucleotide variant.
Coding change: c.1506T>C on transcript NM_000436.4 (MANE Select); coding-DNA position 1506, T replaced by C.
Protein change: p.Thr502=; no amino-acid change (threonine 502 retained).
Molecular consequence: synonymous variant. On other transcripts: non-coding transcript variant (1).
Genome position (GRCh38, 1-based): chr5:41,739,405, A>G on the plus strand (T>C on the coding strand, the complement: OXCT1 is on the minus strand). VCF-style: chr5-41739405-A-G. GRCh37 (hg19) VCF-style: chr5-41739507-A-G.
Other names: c.1527T>C, p.Thr509= (NM_001364299.2, NM_001364300.2); c.1500T>C, p.Thr500= (NM_001364301.2); c.1416T>C, p.Thr472= (NM_001364302.2); c.948T>C, p.Thr316= (NM_001364303.2).
Identifiers: ClinVar variation 785751 (VCV000785751.14), dbSNP rs368510146, ClinGen allele CA3253256.

ClinVar aggregate classification (germline): Benign/Likely benign. Review status: criteria provided, multiple submitters, no conflicts (2 of 4 stars). 2 submissions from 2 submitters: Benign (1); Likely benign (1). Last evaluated 2026-01-05.

Conditions:
Succinyl-CoA acetoacetate transferase deficiency (SCOTD). Also called: Succinyl CoA:3-oxoacid CoA transferase deficiency; KETOACIDOSIS DUE TO SCOT DEFICIENCY; SCOT DEFICIENCY; SUCCINYL-CoA:3-KETOACID CoA-TRANSFERASE DEFICIENCY; 3-Oxoacid CoA Transferase Deficiency. Identifiers: Orphanet 832, MedGen C0342792, MONDO:0009492, OMIM 245050.

Allele frequency attached by ClinVar (database versions not stated): gnomAD below 0.00001 and 0.00017; TOPMed 0.00003; gnomAD exomes 0.00031 and 0.00061; ExAC 0.00079; 1000 Genomes Project 30x 0.00125; 1000 Genomes Project 0.00160.
gnomAD v4.1: 483 of 1,610,002 alleles (0.03%); highest among the groups gnomAD compares: South Asian, 0.5%; 6 homozygotes.

Submissions (2):

Labcorp Genetics (formerly Invitae), Labcorp
Classification: Benign for Succinyl-CoA acetoacetate transferase deficiency. Last evaluated: 2026-01-05. Review status: criteria provided, single submitter. Criteria: Invitae Variant Classification Sherloc (09022015). Collection method: clinical testing. Allele origin: germline.

Illumina Laboratory Services, Illumina
Classification: Likely benign for Succinyl-CoA acetoacetate transferase deficiency. Last evaluated: 2018-01-13. Review status: criteria provided, single submitter. Criteria: ICSL Variant Classification Criteria 13 December 2019. Collection method: clinical testing. Allele origin: germline.
Comment: This variant was observed in the ICSL laboratory as part of a predisposition screen in an ostensibly healthy population. It had not been previously curated by ICSL or reported in the Human Gene Mutation Database (HGMD: prior to June 1st, 2018), and was therefore a candidate for classification through an automated scoring system. Utilizing variant allele frequency, disease prevalence and penetrance estimates, and inheritance mode, an automated score was calculated to assess if this variant is too frequent to cause the disease. Based on the score and internal cut-off values, a variant classified as likely benign is not then subjected to further curation. The score for this variant resulted in a classification of likely benign for this disease.